The following is an entry in ClinVar:

ClinVar aggregate classification (germline): Uncertain significance (1 of 4 stars; one submission).

Submission:

Labcorp Genetics (formerly Invitae), Labcorp
Classification: Uncertain significance. Last evaluated: 2025-12-04. Review status: criteria provided, single submitter. Criteria: Invitae Variant Classification Sherloc (09022015). Collection method: clinical testing. Allele origin: germline.
Comment: This sequence change replaces isoleucine, which is neutral and non-polar, with valine, which is neutral and non-polar, at codon 17 of the TRIM8 protein (p.Ile17Val). This variant is present in population databases (rs751693237, gnomAD 0.0009%). This variant has not been reported in the literature in individuals affected with TRIM8-related conditions. An algorithm developed to predict the effect of missense changes on protein structure and function (PolyPhen-2) suggests that this variant is likely to be disruptive. In summary, the available evidence is currently insufficient to determine the role of this variant in disease. Therefore, it has been classified as a Variant of Uncertain Significance.

NM_030912.3(TRIM8):c.49A>G (p.Ile17Val)

Gene: TRIM8 (tripartite motif containing 8; plus strand). Cytogenetic location: 10q24.32.
Variant type: single nucleotide variant.
Coding change: c.49A>G on transcript NM_030912.3 (MANE Select); coding-DNA position 49, A replaced by G.
Protein change: p.Ile17Val; replaces isoleucine 17 with valine.
Molecular consequence: missense variant. On other transcripts: non-coding transcript variant (1).
Genome position (GRCh38, 1-based): chr10:102,644,666, A>G. VCF-style: chr10-102644666-A-G. GRCh37 (hg19) VCF-style: chr10-104404423-A-G.
Other names: c.49A>G, p.Ile17Val (NM_001345950.1); short protein forms I17V.
Identifiers: ClinVar variation 4777156 (VCV004777156.1).